The following is an entry in ClinVar:

NM_000038.6(APC):c.1039A>G (p.Met347Val)

Gene: APC (APC regulator of Wnt signaling pathway; plus strand). Cytogenetic location: 5q22.2.
Variant type: single nucleotide variant.
Coding change: c.1039A>G on transcript NM_000038.6 (MANE Select); coding-DNA position 1039, A replaced by G.
Protein change: p.Met347Val; replaces methionine 347 with valine.
Molecular consequence: missense variant. On other transcripts: intron variant (4).
Genome position (GRCh38, 1-based): chr5:112,819,071, A>G. VCF-style: chr5-112819071-A-G. GRCh37 (hg19) VCF-style: chr5-112154768-A-G.
Other names: c.1039A>G, p.Met347Val (NM_001127510.3, NM_001354895.2, NM_001354896.2); c.985A>G, p.Met329Val (NM_001127511.3); c.1069A>G, p.Met357Val (NM_001354897.2); c.964A>G, p.Met322Val (NM_001354898.2); c.955A>G, p.Met319Val (NM_001354899.2); c.862A>G, p.Met288Val (NM_001354900.2, NM_001354901.2); c.190A>G, p.Met64Val (NM_001354906.2); c.964-198A>G (NM_001354902.2); and 3 more; short protein forms M329V, M347V, M288V, M322V, M319V, M64V, M357V.
Identifiers: ClinVar variation 485137 (VCV000485137.10), dbSNP rs902593216, ClinGen allele CA16023586.

ClinVar aggregate classification (germline): Uncertain significance. Review status: criteria provided, multiple submitters, no conflicts (2 of 4 stars). 2 submissions from 2 submitters: Uncertain significance (2). Last evaluated 2025-08-07.

Conditions:
Familial adenomatous polyposis 1 (FAP1). Also called: FAMILIAL ADENOMATOUS POLYPOSIS 1, ATTENUATED; POLYPOSIS, ADENOMATOUS INTESTINAL. Identifiers: MedGen C2713442, MONDO:0021056, OMIM 175100. Disease mechanism: loss of function.
Hereditary cancer-predisposing syndrome. Also called: Neoplastic Syndromes, Hereditary; Tumor predisposition; Hereditary Cancer Syndrome; Hereditary neoplastic syndrome. Identifiers: Orphanet 140162, MedGen C0027672, MeSH D009386, MONDO:0015356.

Allele frequency attached by ClinVar (database versions not stated): TOPMed 0.00002.

Submissions (2):

Ambry Genetics
Classification: Uncertain significance for Hereditary cancer-predisposing syndrome. Last evaluated: 2025-08-07. Review status: criteria provided, single submitter. Criteria: Ambry Variant Classification Scheme 2023. Collection method: clinical testing. Allele origin: germline.
Comment: The p.M347V variant (also known as c.1039A>G), located in coding exon 9 of the APC gene, results from an A to G substitution at nucleotide position 1039. The methionine at codon 347 is replaced by valine, an amino acid with highly similar properties. This amino acid position is highly conserved in available vertebrate species. In addition, in silico predictors for this gene do not accurately predict pathogenicity. Missense alterations in APC are not a common cause of disease (Spier I et al. Genet Med. 2024 Feb;26(2):100992). Based on the available evidence, the clinical significance of this variant remains unclear.

Labcorp Genetics (formerly Invitae), Labcorp
Classification: Uncertain significance for Familial adenomatous polyposis 1. Last evaluated: 2023-09-23. Review status: criteria provided, single submitter. Criteria: Invitae Variant Classification Sherloc (09022015). Collection method: clinical testing. Allele origin: germline.
Comment: This sequence change replaces methionine, which is neutral and non-polar, with valine, which is neutral and non-polar, at codon 347 of the APC protein (p.Met347Val). This variant is not present in population databases (gnomAD no frequency). This variant has not been reported in the literature in individuals affected with APC-related conditions. ClinVar contains an entry for this variant (Variation ID: 485137). Advanced modeling of protein sequence and biophysical properties (such as structural, functional, and spatial information, amino acid conservation, physicochemical variation, residue mobility, and thermodynamic stability) performed at Invitae indicates that this missense variant is not expected to disrupt APC protein function. In summary, the available evidence is currently insufficient to determine the role of this variant in disease. Therefore, it has been classified as a Variant of Uncertain Significance.